The following is an entry in ClinVar:

ClinVar aggregate classification (germline): Conflicting classifications of pathogenicity. Review status: criteria provided, conflicting classifications (1 of 4 stars). 2 submissions from 2 submitters: Uncertain significance (1); Likely benign (1). Last evaluated 2025-05-11.

Conditions:
Inborn genetic diseases. Identifiers: MedGen C0950123, MeSH D030342.
Fanconi anemia (FA). Also called: Fanconi's anemia. Identifiers: Orphanet 84, MedGen C0015625, MeSH D005199, MONDO:0019391.

gnomAD v4.1: 1 of 1,439,866 alleles (0.000069%); highest among the groups gnomAD compares: Non-Finnish European, 0.000098%; no homozygotes.

Submissions (2):

Ambry Genetics
Classification: Likely benign for Inborn genetic diseases. Last evaluated: 2025-05-11. Review status: criteria provided, single submitter. Criteria: Ambry Variant Classification Scheme 2023. Collection method: clinical testing. Allele origin: germline.

Labcorp Genetics (formerly Invitae), Labcorp
Classification: Uncertain significance for Fanconi anemia. Last evaluated: 2019-01-05. Review status: criteria provided, single submitter. Criteria: Invitae Variant Classification Sherloc (09022015). Collection method: clinical testing. Allele origin: germline.
Comment: In summary, the available evidence is currently insufficient to determine the role of this variant in disease. Therefore, it has been classified as a Variant of Uncertain Significance. Algorithms developed to predict the effect of sequence changes on RNA splicing suggest that this variant is not likely to affect RNA splicing, but this prediction has not been confirmed by published transcriptional studies. This variant has not been reported in the literature in individuals with FANCM-related conditions. This variant is not present in population databases (ExAC no frequency). This sequence change affects codon 465 of the FANCM mRNA. It is a 'silent' change, meaning that it does not change the encoded amino acid sequence of the FANCM protein.

NM_020937.4(FANCM):c.1395T>C (p.Asn465=)

Gene: FANCM (FA complementation group M; plus strand). Cytogenetic location: 14q21.2.
Variant type: single nucleotide variant.
Coding change: c.1395T>C on transcript NM_020937.4 (MANE Select); coding-DNA position 1395, T replaced by C.
Protein change: p.Asn465=; no amino-acid change (asparagine 465 retained).
Molecular consequence: synonymous variant.
Genome position (GRCh38, 1-based): chr14:45,155,458, T>C. VCF-style: chr14-45155458-T-C. GRCh37 (hg19) VCF-style: chr14-45624661-T-C.
Other names: c.1317T>C, p.Asn439= (NM_001308133.2); c.1395T>C, p.Asn465= (NM_001308134.2).
Identifiers: ClinVar variation 843934 (VCV000843934.10), dbSNP rs1594773895, ClinGen allele CA486138673.